The following is an entry in ClinVar:

NM_021815.5(SLC5A7):c.148G>T (p.Gly50Cys)

Gene: SLC5A7 (solute carrier family 5 member 7; plus strand). Cytogenetic location: 2q12.3.
Variant type: single nucleotide variant.
Coding change: c.148G>T on transcript NM_021815.5 (MANE Select); coding-DNA position 148, G replaced by T.
Protein change: p.Gly50Cys; replaces glycine 50 with cysteine.
Molecular consequence: missense variant. On other transcripts: 5 prime UTR variant (1), intron variant (1).
Genome position (GRCh38, 1-based): chr2:107,988,303, G>T. VCF-style: chr2-107988303-G-T. GRCh37 (hg19) VCF-style: chr2-108604759-G-T.
Other names: c.148G>T, p.Gly50Cys (NM_001305005.3); c.-557G>T (NM_001305007.3); c.-138+1540G>T (NM_001305006.3); short protein forms G50C.
Identifiers: ClinVar variation 2921925 (VCV002921925.3), dbSNP rs899126759, ClinGen allele CA53407857.

ClinVar aggregate classification (germline): Uncertain significance (1 of 4 stars; one submission).

Conditions:
Neuronopathy, distal hereditary motor, type 7A. Also called: Neuronopathy, distal hereditary motor, type viia; NEURONOPATHY, DISTAL HEREDITARY MOTOR, HARDING TYPE VIIA; NEUROPATHY, DISTAL HEREDITARY MOTOR, HARDING TYPE VIIA; Neuronopathy, distal hereditary motor, autosomal dominant 7; HARPER-YOUNG MYOPATHY; HMN VIIA. Identifiers: Orphanet 139589, MedGen C1834703, MONDO:0008024, OMIM 158580.
Congenital myasthenic syndrome 20. Also called: Myasthenic syndrome, congenital, 20, presynaptic. Identifiers: MedGen C4310694, MONDO:0014939, OMIM 617143.

Allele frequency attached by ClinVar (database versions not stated): TOPMed below 0.00001.

Submission:

Labcorp Genetics (formerly Invitae), Labcorp
Classification: Uncertain significance for Neuronopathy, distal hereditary motor, type 7A; Congenital myasthenic syndrome 20. Last evaluated: 2024-06-12. Review status: criteria provided, single submitter. Criteria: Invitae Variant Classification Sherloc (09022015). Collection method: clinical testing. Allele origin: germline.
Comment: This sequence change replaces glycine, which is neutral and non-polar, with cysteine, which is neutral and slightly polar, at codon 50 of the SLC5A7 protein (p.Gly50Cys). This variant is not present in population databases (gnomAD no frequency). This variant has not been reported in the literature in individuals affected with SLC5A7-related conditions. Advanced modeling of protein sequence and biophysical properties (such as structural, functional, and spatial information, amino acid conservation, physicochemical variation, residue mobility, and thermodynamic stability) has been performed at Invitae for this missense variant, however the output from this modeling did not meet the statistical confidence thresholds required to predict the impact of this variant on SLC5A7 protein function. In summary, the available evidence is currently insufficient to determine the role of this variant in disease. Therefore, it has been classified as a Variant of Uncertain Significance.